The following is an entry in ClinVar:

ClinVar aggregate classification (germline): Uncertain significance (1 of 4 stars; one submission).

Conditions:
Ataxia-telangiectasia syndrome (AT). Also called: ATAXIA-TELANGIECTASIA, COMPLEMENTATION GROUP A; ATAXIA-TELANGIECTASIA, FRESNO VARIANT; Ataxia-telangiectasia; Ataxia-telangiectasia, complementation group E; Ataxia telangiectasia (A-T); LOUIS-BAR SYNDROME. Identifiers: Orphanet 100, MedGen C0004135, MONDO:0008840, OMIM 208900.

Submission:

Labcorp Genetics (formerly Invitae), Labcorp
Classification: Uncertain significance for Ataxia-telangiectasia syndrome. Last evaluated: 2024-11-12. Review status: criteria provided, single submitter. Criteria: Invitae Variant Classification Sherloc (09022015). Collection method: clinical testing. Allele origin: germline.
Comment: This sequence change replaces isoleucine, which is neutral and non-polar, with methionine, which is neutral and non-polar, at codon 1559 of the ATM protein (p.Ile1559Met). This variant is not present in population databases (gnomAD no frequency). This variant has not been reported in the literature in individuals affected with ATM-related conditions. Invitae Evidence Modeling of protein sequence and biophysical properties (such as structural, functional, and spatial information, amino acid conservation, physicochemical variation, residue mobility, and thermodynamic stability) indicates that this missense variant is not expected to disrupt ATM protein function with a negative predictive value of 95%. In summary, the available evidence is currently insufficient to determine the role of this variant in disease. Therefore, it has been classified as a Variant of Uncertain Significance.

NM_000051.4(ATM):c.4677T>G (p.Ile1559Met)

Gene: ATM (ATM serine/threonine kinase; plus strand). Cytogenetic location: 11q22.3.
Variant type: single nucleotide variant.
Coding change: c.4677T>G on transcript NM_000051.4 (MANE Select); coding-DNA position 4677, T replaced by G.
Protein change: p.Ile1559Met; replaces isoleucine 1559 with methionine.
Molecular consequence: missense variant.
Genome position (GRCh38, 1-based): chr11:108,293,378, T>G. VCF-style: chr11-108293378-T-G. GRCh37 (hg19) VCF-style: chr11-108164105-T-G.
Other names: c.4677T>G, p.Ile1559Met (NM_001351834.2); short protein forms I1559M.
Identifiers: ClinVar variation 3720457 (VCV003720457.2).
Genomic context (GRCh38, chr11:108,293,378, plus strand): 5'-GGACTTGTTGAAATACTTAGTGATAGATAACAAGGATAATGAAAACCTCTATATCACGAT[T>G]AAGCTTTTAGATCCTTTTCCTGACCATGTTGTTTTTAAGGATTTGCGTATTACTCAGCAA-3'
Protein context (NP_000042.3, residues 1549-1569): NKDNENLYIT[Ile1559Met]KLLDPFPDHV